The following is an entry in ClinVar:

ClinVar aggregate classification (germline): Conflicting classifications of pathogenicity. Review status: criteria provided, conflicting classifications (1 of 4 stars). 2 submissions from 2 submitters: Likely pathogenic (1); Uncertain significance (1). Last evaluated 2024-05-26.

Allele frequency attached by ClinVar (database versions not stated): TOPMed below 0.00001.
gnomAD v4.1: 1 of 1,614,188 alleles (0.000062%); no homozygotes.

Submissions (2):

Labcorp Genetics (formerly Invitae), Labcorp
Classification: Likely pathogenic. Last evaluated: 2024-05-26. Review status: criteria provided, single submitter. Criteria: Invitae Variant Classification Sherloc (09022015). Collection method: clinical testing. Allele origin: germline.
Comment: This sequence change replaces glutamine, which is neutral and polar, with leucine, which is neutral and non-polar, at codon 196 of the CNGA3 protein (p.Gln196Leu). This variant is not present in population databases (gnomAD no frequency). This variant has not been reported in the literature in individuals affected with CNGA3-related conditions. ClinVar contains an entry for this variant (Variation ID: 2114538). Advanced modeling of protein sequence and biophysical properties (such as structural, functional, and spatial information, amino acid conservation, physicochemical variation, residue mobility, and thermodynamic stability) performed at Invitae indicates that this missense variant is expected to disrupt CNGA3 protein function with a positive predictive value of 95%. This variant disrupts the p.Gln196 amino acid residue in CNGA3. Other variant(s) that disrupt this residue have been determined to be pathogenic (Invitae). This suggests that this residue is clinically significant, and that variants that disrupt this residue are likely to be disease-causing. In summary, the currently available evidence indicates that the variant is pathogenic, but additional data are needed to prove that conclusively. Therefore, this variant has been classified as Likely Pathogenic.

Blueprint Genetics
Classification: Uncertain significance. Last evaluated: 2021-09-10. Review status: criteria provided, single submitter. Criteria: ACMG Guidelines, 2015. Collection method: clinical testing. Allele origin: germline.

NM_001298.3(CNGA3):c.587A>T (p.Gln196Leu)

Gene: CNGA3 (cyclic nucleotide gated channel subunit alpha 3; plus strand). Cytogenetic location: 2q11.2.
Variant type: single nucleotide variant.
Coding change: c.587A>T on transcript NM_001298.3 (MANE Select); coding-DNA position 587, A replaced by T.
Protein change: p.Gln196Leu; replaces glutamine 196 with leucine.
Molecular consequence: missense variant.
Genome position (GRCh38, 1-based): chr2:98,391,884, A>T. VCF-style: chr2-98391884-A-T. GRCh37 (hg19) VCF-style: chr2-99008347-A-T.
Other names: c.533A>T, p.Gln178Leu (NM_001079878.2); short protein forms Q196L, Q178L.
Identifiers: ClinVar variation 2114538 (VCV002114538.5), dbSNP rs1692797868, ClinGen allele CA347831717.